The following is an entry in ClinVar:

NM_001363711.2(DUOX2):c.1264C>T (p.Arg422Cys)

Gene: DUOX2 (dual oxidase 2; minus strand). Cytogenetic location: 15q21.1.
Variant type: single nucleotide variant.
Coding change: c.1264C>T on transcript NM_001363711.2 (MANE Select); coding-DNA position 1264, C replaced by T.
Protein change: p.Arg422Cys; replaces arginine 422 with cysteine.
Molecular consequence: missense variant.
Genome position (GRCh38, 1-based): chr15:45,108,923, G>A on the plus strand (C>T on the coding strand, the complement: DUOX2 is on the minus strand). VCF-style: chr15-45108923-G-A. GRCh37 (hg19) VCF-style: chr15-45401121-G-A.
Other names: c.1264C>T, p.Arg422Cys (NM_014080.5); short protein forms R422C.
Identifiers: ClinVar variation 1705282 (VCV001705282.9), dbSNP rs371953059, ClinGen allele CA7538669.

ClinVar aggregate classification (germline): Uncertain significance. Review status: criteria provided, multiple submitters, no conflicts (2 of 4 stars). 5 submissions from 5 submitters: Uncertain significance (5). Last evaluated 2026-05-26.

Conditions:
Thyroid dyshormonogenesis 6 (TDH6). Also called: Genetic transient congenital hypothyroidism; THYROID HORMONOGENESIS, GENETIC DEFECT IN, 6; HYPOTHYROIDISM, CONGENITAL, DUE TO DYSHORMONOGENESIS, 6. Identifiers: Orphanet 226316, Orphanet 95716, MedGen C1846632, MONDO:0011792, OMIM 607200.
DUOX2-related disorder. Also called: DUOX2-related condition.
Congenital hypothyroidism. Identifiers: Orphanet 442, MedGen C0010308, MONDO:0018612, HP:0000851.

Allele frequency attached by ClinVar (database versions not stated): ExAC 0.00002; gnomAD 0.00002; TOPMed 0.00002; ESP Exome Variant Server 0.00008; 1000 Genomes Project 30x 0.00016; 1000 Genomes Project 0.00020.

Submissions (5):

PreventionGenetics, part of Exact Sciences
Classification: Uncertain significance for DUOX2-related condition. Last evaluated: 2026-05-26. Review status: criteria provided, single submitter. Criteria: ACMG Guidelines, 2015. Collection method: clinical testing. Allele origin: germline.
Comment: The DUOX2 c.1264C>T variant is predicted to result in the amino acid substitution p.Arg422Cys. This variant has been reported in the compound heterozygous state in an individual with congenital hypothyroidism (Table S1, Sun et al. 2021. PubMed ID: 34564849). An in vitro experimental study suggests this variant reduces enzyme activity to 72% of wildtype activity (Table S2, Sun et al. 2021. PubMed ID: 34564849). This variant is reported in 0.029% of alleles in individuals of South Asian descent in gnomAD and is interpreted as uncertain in ClinVar (Variation ID: 1705282). At this time, the clinical significance of this variant is uncertain due to the absence of conclusive functional and genetic evidence.

Cambridge Genomics Laboratory, East Genomic Laboratory Hub, NHS Genomic Medicine Service
Classification: Uncertain significance for Congenital hypothyroidism. Last evaluated: 2026-02-25. Review status: criteria provided, single submitter. Criteria: ACGS Best Practice Guidelines for Variant Classification in Rare Disease 2020. Collection method: clinical testing. Allele origin: germline. Affected: yes.
Comment: PM2,PM3,PP3

Labcorp Genetics (formerly Invitae), Labcorp
Classification: Uncertain significance. Last evaluated: 2025-11-21. Review status: criteria provided, single submitter. Criteria: Invitae Variant Classification Sherloc (09022015). Collection method: clinical testing. Allele origin: germline.
Comment: This sequence change replaces arginine, which is basic and polar, with cysteine, which is neutral and slightly polar, at codon 422 of the DUOX2 protein (p.Arg422Cys). This variant is present in population databases (rs371953059, gnomAD 0.03%). This missense change has been observed in individual(s) with clinical features of DUOX2-related conditions (PMID: 4564849). ClinVar contains an entry for this variant (Variation ID: 1705282). Invitae Evidence Modeling of protein sequence and biophysical properties (such as structural, functional, and spatial information, amino acid conservation, physicochemical variation, residue mobility, and thermodynamic stability) indicates that this missense variant is expected to disrupt DUOX2 protein function with a positive predictive value of 80%. Experimental studies have shown that this missense change affects DUOX2 function (PMID: 34564849). In summary, the available evidence is currently insufficient to determine the role of this variant in disease. Therefore, it has been classified as a Variant of Uncertain Significance.

Kasturba Medical College, Manipal, Kasturba Medical College, Manipal, Manipal Academy of Higher Education, Manipal, India
Classification: Uncertain significance for Thyroid dyshormonogenesis 6. Review status: criteria provided, single submitter. Criteria: ACMG Guidelines, 2015. Collection method: clinical testing. Allele origin: maternal. Inheritance: Autosomal recessive inheritance. Affected: yes. Observed: 1 compound heterozygote.
Comment: This variant was present in 26 individuals in gnomAD population database and 12 individuals in our in-house database in heterozygous state. In silico prediction tools (MutationTaster and CADD phred) predict the variant to be damaging to DUOX2 protein function.

Suma Genomics
Classification: Uncertain significance for Thyroid dyshormonogenesis 6. Review status: criteria provided, single submitter. Criteria: ACMG Guidelines, 2015. Collection method: clinical testing. Allele origin: inherited. Inheritance: Autosomal recessive inheritance. Affected: yes.

Literature cited by the submitters: PubMed 4564849 (cited by Labcorp Genetics (formerly Invitae), Labcorp); PubMed 34564849 (cited by Labcorp Genetics (formerly Invitae), Labcorp).